The following is an entry in ClinVar:

ClinVar aggregate classification (germline): Pathogenic (1 of 4 stars; one submission).

Conditions:
WHIM syndrome 1 (WHIMS). Identifiers: Orphanet 51636, MedGen C5542296, MONDO:8000006, OMIM 193670.

Submission:

Research Department, X4 Pharmaceuticals (Austria) GmbH
Classification: Pathogenic for WHIM syndrome 1. Last evaluated: 2025-06-03. Review status: criteria provided, single submitter. Criteria: ACMG Guidelines, 2015. Collection method: curation, in vitro. Allele origin: germline, not applicable. Inheritance: Autosomal dominant inheritance. Affected: yes. Observed: 1 variant allele, 1 heterozygote. Functional consequence: gain_of_function_variant.
Comment: The p.Lys327Argfs*17 frameshift variant has been observed in an individual with clinical features of WHIM syndrome (PMID: 35947323). Experimental studies have shown that this premature translational stop signal affects CXCR4 function (PMID: 35947323). This variant is located in a region of the CXCR4 protein where a significant number of CXCR4 nonsense and frameshift mutations have been reported in association with autosomal dominant WHIM syndrome (PMID: 31313072, 32784523, 35947323, 39040098). This variant is not present in population databases (gnomAD no frequency).

Literature cited by the submitters: PubMed 35947323.

NM_003467.3(CXCR4):c.979_980insG (p.Lys327fs)

Gene: CXCR4 (C-X-C motif chemokine receptor 4; minus strand). Cytogenetic location: 2q22.1.
Variant type: Insertion.
Coding change: c.979_980insG on transcript NM_003467.3 (MANE Select); coding-DNA positions 979 to 980, G inserted.
Protein change: p.Lys327fs; shifts the reading frame from lysine 327.
Molecular consequence: frameshift variant.
Genome position: GRCh38 VCF-style: chr2-136114948-T-TC. GRCh37 (hg19) VCF-style: chr2-136872518-T-TC.
Other names: c.991_992insG, p.Lys331fs (NM_001008540.2); c.1192_1193insG, p.Lys398fs (NM_001348056.2); c.1078_1079insG, p.Lys360fs (NM_001348059.2); c.934_935insG, p.Lys312fs (NM_001348060.2); short protein forms K312fs, K327fs, K331fs, K360fs, K398fs.
Identifiers: ClinVar variation 3902815 (VCV003902815.2).
Genomic context (GRCh38, chr2:136,114,948, plus strand): 5'-GAAGACTCAGACTCAGTGGAAACAGATGAATGTCCACCTCGCTTTCCTTTGGAGAGGATC[T>TC]TGAGGCTGGACCCTCTGCTCACAGAGGTGAGTGCGTGCTGGGCAGAGGTTTTAAATTTGG-3'